The following is an entry in ClinVar:

ClinVar aggregate classification (germline): Uncertain significance. Review status: criteria provided, multiple submitters, no conflicts (2 of 4 stars). 2 submissions from 2 submitters: Uncertain significance (2). Last evaluated 2026-01-22.

Conditions:
CHRND-related disorder. Also called: CHRND-related condition; CHRND-Related Disorders.
Lethal multiple pterygium syndrome (LMPS). Identifiers: Orphanet 33108, MedGen C1854678, MONDO:0009668, OMIM 253290.

Allele frequency attached by ClinVar (database versions not stated): gnomAD exomes below 0.00001 and 0.00001; TOPMed below 0.00001; gnomAD 0.00001.
gnomAD v4.1: 3 of 1,614,072 alleles (0.00019%); highest among the groups gnomAD compares: Admixed American, 0.005%; no homozygotes.

Submissions (2):

PreventionGenetics, part of Exact Sciences
Classification: Uncertain significance for CHRND-related condition. Last evaluated: 2026-01-22. Review status: criteria provided, single submitter. Criteria: ACMG Guidelines, 2015. Collection method: clinical testing. Allele origin: germline.
Comment: The CHRND c.723C>G variant is predicted to result in the amino acid substitution p.Ile241Met. To our knowledge, this variant has not been reported in the literature. This variant is reported in 0.0058% of alleles in individuals of Latino descent in gnomAD. At this time, the clinical significance of this variant is uncertain due to the absence of conclusive functional and genetic evidence.

Labcorp Genetics (formerly Invitae), Labcorp
Classification: Uncertain significance for Lethal multiple pterygium syndrome. Last evaluated: 2021-09-08. Review status: criteria provided, single submitter. Criteria: Invitae Variant Classification Sherloc (09022015). Collection method: clinical testing. Allele origin: germline.
Comment: This sequence change replaces isoleucine with methionine at codon 241 of the CHRND protein (p.Ile241Met). The isoleucine residue is highly conserved and there is a small physicochemical difference between isoleucine and methionine. This variant is not present in population databases (ExAC no frequency). This variant has not been reported in the literature in individuals affected with CHRND-related conditions. Advanced modeling of protein sequence and biophysical properties (such as structural, functional, and spatial information, amino acid conservation, physicochemical variation, residue mobility, and thermodynamic stability) performed at Invitae indicates that this missense variant is not expected to disrupt CHRND protein function. In summary, the available evidence is currently insufficient to determine the role of this variant in disease. Therefore, it has been classified as a Variant of Uncertain Significance.

NM_000751.3(CHRND):c.723C>G (p.Ile241Met)

Gene: CHRND (cholinergic receptor nicotinic delta subunit; plus strand). Cytogenetic location: 2q37.1.
Variant type: single nucleotide variant.
Coding change: c.723C>G on transcript NM_000751.3 (MANE Select); coding-DNA position 723, C replaced by G.
Protein change: p.Ile241Met; replaces isoleucine 241 with methionine.
Molecular consequence: missense variant. On other transcripts: intron variant (1).
Genome position (GRCh38, 1-based): chr2:232,530,042, C>G. VCF-style: chr2-232530042-C-G. GRCh37 (hg19) VCF-style: chr2-233394752-C-G.
Other names: c.678C>G, p.Ile226Met (NM_001256657.2); c.420C>G, p.Ile140Met (NM_001311196.2); c.239-1310C>G (NM_001311195.2); c.723C>G (NM_000751.2); short protein forms I226M, I241M, I140M.
Identifiers: ClinVar variation 1380142 (VCV001380142.7), dbSNP rs1416558563, ClinGen allele CA351000876.